The following is an entry in ClinVar:

ClinVar aggregate classification (germline): Uncertain significance (1 of 4 stars; one submission).

Submission:

Labcorp Genetics (formerly Invitae), Labcorp
Classification: Uncertain significance. Last evaluated: 2025-03-05. Review status: criteria provided, single submitter. Criteria: Invitae Variant Classification Sherloc (09022015). Collection method: clinical testing. Allele origin: germline.
Comment: This sequence change replaces alanine, which is neutral and non-polar, with lysine, which is basic and polar, at codon 27 of the CACNA1D protein (p.Ala27Lys). Information on the frequency of this variant in the gnomAD database is not available, as this variant may be reported differently in the database. This variant has not been reported in the literature in individuals affected with CACNA1D-related conditions. An algorithm developed to predict the effect of missense changes on protein structure and function (PolyPhen-2) suggests that this variant is likely to be tolerated. In summary, the available evidence is currently insufficient to determine the role of this variant in disease. Therefore, it has been classified as a Variant of Uncertain Significance.

NM_001128840.3(CACNA1D):c.79_80delinsAA (p.Ala27Lys)

Gene: CACNA1D (calcium voltage-gated channel subunit alpha1 D; plus strand). Cytogenetic location: 3p21.1.
Variant type: Indel.
Coding change: c.79_80delinsAA on transcript NM_001128840.3 (MANE Select); coding-DNA positions 79 to 80, GC replaced by AA.
Protein change: p.Ala27Lys; replaces alanine 27 with lysine.
Molecular consequence: missense variant.
Genome position (GRCh38, 1-based): chr3:53,497,163-53,497,164, GC replaced by AA. VCF-style: chr3-53497163-GC-AA. GRCh37 (hg19) VCF-style: chr3-53531190-GC-AA.
Other names: c.79_80delinsAA, p.Ala27Lys (NM_000720.4, NM_001128839.3); short protein forms A27K.
Identifiers: ClinVar variation 4714476 (VCV004714476.1).